The following is an entry in ClinVar:

ClinVar aggregate classification (germline): Uncertain significance. Review status: criteria provided, multiple submitters, no conflicts (2 of 4 stars). 2 submissions from 2 submitters: Uncertain significance (2). Last evaluated 2025-02-05.

Allele frequency attached by ClinVar (database versions not stated): gnomAD exomes 0.00001.
gnomAD v4.1: 20 of 1,614,218 alleles (0.0012%); highest among the groups gnomAD compares: Non-Finnish European, 0.0015%; no homozygotes.

Submissions (2):

Ambry Genetics
Classification: Uncertain significance. Last evaluated: 2025-02-05. Review status: criteria provided, single submitter. Criteria: Ambry Variant Classification Scheme 2023. Collection method: clinical testing. Allele origin: germline.

Labcorp Genetics (formerly Invitae), Labcorp
Classification: Uncertain significance. Last evaluated: 2023-11-17. Review status: criteria provided, single submitter. Criteria: Invitae Variant Classification Sherloc (09022015). Collection method: clinical testing. Allele origin: germline.
Comment: This sequence change replaces tyrosine, which is neutral and polar, with cysteine, which is neutral and slightly polar, at codon 573 of the CEP97 protein (p.Tyr573Cys). This variant is present in population databases (no rsID available, gnomAD 0.0009%). This variant has not been reported in the literature in individuals affected with CEP97-related conditions. Algorithms developed to predict the effect of missense changes on protein structure and function output the following: SIFT: "Not Available"; PolyPhen-2: "Benign"; Align-GVGD: "Not Available". The cysteine amino acid residue is found in multiple mammalian species, which suggests that this missense change does not adversely affect protein function. In summary, the available evidence is currently insufficient to determine the role of this variant in disease. Therefore, it has been classified as a Variant of Uncertain Significance.

NM_024548.4(CEP97):c.1718A>G (p.Tyr573Cys)

Gene: CEP97 (centrosomal protein 97; plus strand). Cytogenetic location: 3q12.3.
Variant type: single nucleotide variant.
Coding change: c.1718A>G on transcript NM_024548.4 (MANE Select); coding-DNA position 1718, A replaced by G.
Protein change: p.Tyr573Cys; replaces tyrosine 573 with cysteine.
Molecular consequence: missense variant.
Genome position (GRCh38, 1-based): chr3:101,758,324, A>G. VCF-style: chr3-101758324-A-G. GRCh37 (hg19) VCF-style: chr3-101477168-A-G.
Other names: c.1541A>G, p.Tyr514Cys (NM_001303401.2); c.1616A>G, p.Tyr539Cys (NM_001410784.1); c.1439A>G, p.Tyr480Cys (NM_001410785.1); c.1718A>G (NM_024548.2); short protein forms Y539C, Y514C, Y480C, Y573C.
Identifiers: ClinVar variation 2720383 (VCV002720383.4), dbSNP rs1226744361, ClinGen allele CA353878343.
Genomic context (GRCh38, chr3:101,758,324, plus strand): 5'-TTGCCCTTCAGAAATTAAATGATGCAGCCACCAAGCTTCAGGCCTGTTGGCGGGGATTTT[A>G]TGCCAGGAACTACAACCCTCAAGCCAAAGATGTGCGTTACGAAATCCGGCTACGCAGAAT-3'
Protein context (NP_078824.2, residues 563-583): TKLQACWRGF[Tyr573Cys]ARNYNPQAKD